The following is an entry in ClinVar:

NM_001083116.3(PRF1):c.844AAG[3] (p.Lys285del)

Gene: PRF1 (perforin 1; minus strand). Cytogenetic location: 10q22.1.
Variant type: Microsatellite.
Coding change: c.844AAG[3] on transcript NM_001083116.3 (MANE Select); three copies in a row of the 3-base unit AAG starting at c.844; the reference has four copies in a row; one copy, 3 bases deleted; also written c.853_855del.
Protein change: p.Lys285del; deletes lysine 285.
Molecular consequence: inframe deletion.
Genome position (GRCh38, 1-based): chr10:70,598,866-70,598,868, CTT deleted on the plus strand (AAG on the coding strand, the reverse complement: PRF1 is on the minus strand); deleting any 3 consecutive bases within chr10:70,598,866-70,598,879 gives the same sequence; the position shown is the placement nearest the transcript's 3' end. VCF-style (leftmost placement, unchanged base first): chr10-70598865-GCTT-G. GRCh37 (hg19) VCF-style: chr10-72358621-GCTT-G.
Other names: c.853_855del (NM_001083116.3); c.844AAG[3], p.Lys285del (NM_005041.6); c.853_855delAAG (NM_001083116.1); short protein forms K285del.
Identifiers: ClinVar variation 971288 (VCV000971288.28), dbSNP rs745902829, ClinGen allele CA5538900.

ClinVar aggregate classification (germline): Pathogenic/Likely pathogenic. Review status: criteria provided, multiple submitters, no conflicts (2 of 4 stars). 15 submissions from 15 submitters: Pathogenic (12); Likely pathogenic (1). 2 of the submissions do not count toward it. Last evaluated 2026-04-09.

Conditions:
Familial hemophagocytic lymphohistiocytosis 2 (FHL2). Also called: PRF1-Related Familial Hemophagocytic Lymphohistiocytosis (PRF1-fHLH). Identifiers: Orphanet 540, MedGen C1863727, MONDO:0011337, OMIM 603553.
Lymphoma, non-Hodgkin, familial. Identifiers: MedGen C4721532, MONDO:0011508, OMIM 605027.
Aplastic anemia. Identifiers: Orphanet 182040, Orphanet 88, MedGen C0002874, MONDO:0015909, OMIM 609135, HP:0001915.
PRF1-related disorder. Also called: PRF1-related condition.
Inborn genetic diseases. Identifiers: MedGen C0950123, MeSH D030342.
Familial hemophagocytic lymphohistiocytosis (FHL). Also called: Familial erythrophagocytic lymphohistiocytosis; Familial histiocytic reticulosis; Hereditary hemophagocytic lymphohistiocytosis. Identifiers: Orphanet 158038, Orphanet 540, MedGen C0272199, MONDO:0015541.

Submissions 1 to 10 of 15:

Greenwood Genetic Center Diagnostic Laboratories, Greenwood Genetic Center
Classification: Pathogenic for Familial hemophagocytic lymphohistiocytosis 2. Last evaluated: 2026-04-09. Review status: criteria provided, single submitter. Criteria: ACMG Guidelines, 2015. Collection method: clinical testing. Allele origin: germline. Affected: yes.
Comment: PS3, PM2, PM3_Strong

Victorian Clinical Genetics Services, Murdoch Childrens Research Institute
Classification: Pathogenic for Familial hemophagocytic lymphohistiocytosis 2. Last evaluated: 2026-03-18. Review status: criteria provided, single submitter. Criteria: ACMG Guidelines, 2015. Collection method: clinical testing. Allele origin: germline. Affected: yes.
Comment: This variant is classified as Pathogenic. Evidence in support of pathogenic classification: Variant is present in gnomAD <0.01 for a recessive condition (v4:77 heterozygote(s), 0 homozygote(s)); This variant has strong previous evidence of pathogenicity in unrelated individuals. This variant has been classified as pathogenic/likely pathogenic by many clinical laboratories in ClinVar. Additional information: In-frame deletion in a repetitive region that has low conservation; This variant is heterozygous; This gene is associated with autosomal recessive disease; Variant is located in the annotated MAC/Perforin domain (DECIPHER); Loss of function is a known mechanism of disease in this gene and is associated with familial hemophagocytic lymphohistiocytosis type 2 (MIM#603553); Heterozygous variant detected in trans with a second PATHOGENIC heterozygous variant (NM_001083116.3(PRF1):c.3G>A; p.(Met1?)) in a recessive disease.

Labcorp Genetics (formerly Invitae), Labcorp
Classification: Pathogenic for Familial hemophagocytic lymphohistiocytosis 2. Last evaluated: 2026-01-07. Review status: criteria provided, single submitter. Criteria: Invitae Variant Classification Sherloc (09022015). Collection method: clinical testing. Allele origin: germline.
Comment: This variant, c.853_855del, results in the deletion of 1 amino acid(s) of the PRF1 protein (p.Lys285del), but otherwise preserves the integrity of the reading frame. The frequency data for this variant in the population databases is considered unreliable, as metrics indicate poor data quality at this position in the gnomAD database. This variant has been observed in individual(s) with hemophagocytic lymphohistiocytosis (PMID: 11179007, 22186995, 25104007, 30539918). In at least one individual the data is consistent with being in trans (on the opposite chromosome) from a pathogenic variant. It has also been observed to segregate with disease in related individuals. ClinVar contains an entry for this variant (Variation ID: 971288). Experimental studies and prediction algorithms are not available or were not evaluated, and the functional significance of this variant is currently unknown. For these reasons, this variant has been classified as Pathogenic.

3billion
Classification: Pathogenic for Familial hemophagocytic lymphohistiocytosis 2. Last evaluated: 2025-05-19. Review status: criteria provided, single submitter. Criteria: ACMG Guidelines, 2015. Collection method: clinical testing. Allele origin: germline. Affected: yes.
Comment: The variant is observed at an extremely low frequency in the gnomAD v4.1.0 dataset (total allele frequency: 0.005%). Predicted Consequence/Location: Inframe deletion located in a repeat region: not predicted to disrupt normal protein function. Functional studies provide moderate evidence of the variant having a damaging effect on the gene or gene product (PMID: 22186995). The variant has been reported to be in trans with a pathogenic variant as either compound heterozygous or homozygous in at least 2 similarly affected unrelated individuals (PMID: 11179007, 22186995, 25104007, 30539918). The variant has been reported at least twice as pathogenic without evidence for the classification (ClinVar ID: VCV000971288 /PMID: 11179007 /3billion dataset). Therefore, this variant is classified as Pathogenic according to the recommendation of ACMG/AMP guideline.

Genetic Services Laboratory, University of Chicago
Classification: Pathogenic. Last evaluated: 2024-11-26. Review status: criteria provided, single submitter. Criteria: ACMG Guidelines, 2015. Collection method: clinical testing. Allele origin: germline. Affected: yes.
Comment: DNA sequence analysis of the PRF1 gene demonstrated a three base pair deletion in exon 3, c.853_855del. This in-frame deletion is predicted to result in the deletion of a single amino acid residue,p.Lys285del. This sequence change has been described in the gnomAD database with a frequency of 0.0047% (dbSNP rs745902829). This pathogenic sequence change has previously been described in several individuals with PRF1-related hemophagocytic lymphohistiocytosis in both homozygous and compound heterozygous state (PMID: 11179007, 22186995, 30539918, 31388699). Experimental studies indicated an impact on protein function (PMID: 22186995). These collective evidences indicate that this sequence change is pathogenic.

GeneDx
Classification: Pathogenic. Last evaluated: 2024-11-05. Review status: criteria provided, single submitter. Criteria: GeneDx Variant Classification Process June 2021. Collection method: clinical testing. Allele origin: germline. Affected: yes.
Comment: Observed multiple times with a second PRF1 variant in unrelated patients with familial hemophagocytic lymphohistiocytosis in the published literature, but it is not known whether the variants occurred on the same (in cis) or on different (in trans) chromosomes in some cases (PMID: 30658162, 22186995, 30539918, 29357941, 32542393, 32194620); Observed in homozygous state in patients with familial hemophagocytic lymphohistiocytosis in the literature and not observed in homozygous state in controls (PMID: 11179007, 34992599); Published functional studies demonstrate that this variant is detrimental to NK cell cytotoxicity (PMID: 22186995); In-frame deletion of 1 amino acid in a non-repeat region; In silico analysis supports a deleterious effect on protein structure/function; This variant is associated with the following publications: (PMID: 34426522, 34938098, 30539918, 29357941, 32542393, 32194620, 30658162, 25104007, 36998916, 36706356, 11179007, 22186995, 34992599)

Fulgent Genetics
Classification: Pathogenic for Familial hemophagocytic lymphohistiocytosis 2; Lymphoma, non-Hodgkin, familial; Aplastic anemia. Last evaluated: 2024-05-24. Review status: criteria provided, single submitter. Criteria: ACMG Guidelines, 2015. Collection method: clinical testing. Allele origin: germline.

Baylor Genetics
Classification: Pathogenic for Aplastic anemia. Last evaluated: 2024-02-28. Review status: criteria provided, single submitter. Criteria: ACMG Guidelines, 2015. Collection method: clinical testing. Allele origin: unknown.

Ambry Genetics
Classification: Pathogenic for Inborn genetic diseases. Last evaluated: 2023-12-20. Review status: criteria provided, single submitter. Criteria: Ambry Variant Classification Scheme 2023. Collection method: clinical testing. Allele origin: germline.
Comment: The c.853_855delAAG (p.K285del) alteration is located in exon 3 (coding exon 2) of the PRF1 gene. This alteration consists of an in-frame deletion of 3 nucleotides between nucleotide positions c.853 and c.855, resulting in the deletion of 1 residue. Based on data from gnomAD, the c.853_855delAAG (p.K285del) alteration has an overall frequency of 0.006% (16/282750) total alleles studied. The highest observed frequency was 0.048% (5/10366) of Ashkenazi Jewish alleles. This alteration was detected in the homozygous state, and in conjunction with another alteration in PRF1, in multiple individuals with hemophagocytic lymphohistiocytosis (Elsink, 2021; Shi, 2021; Gadoury-Levesque, 2020; Gao, 2019; Tesi, 2015; Chiang, 2014; Chia, 2012; Trizziono, 2008; G&ouml;ransdotter Ericson, 2001). This amino acid position is not well conserved in available vertebrate species. Functional analysis in KHYG1 shPRF1 cells demonstrated that the p.K285del alteration was detrimental to the cytotoxicity of natural killer (NK) cells (Chia, 2012). This alteration is predicted to be deleterious by in silico analysis (Choi, 2012). Based on the available evidence, this alteration is classified as pathogenic.

Blueprint Genetics
Classification: Pathogenic for PRF1-related disorders. Last evaluated: 2023-09-21. Review status: criteria provided, single submitter. Criteria: ACMG Guidelines, 2015. Collection method: clinical testing. Allele origin: germline. Affected: yes. Observed: 5 variant alleles.